The following is an entry in ClinVar:

ClinVar aggregate classification (germline): Uncertain significance. Review status: criteria provided, multiple submitters, no conflicts (2 of 4 stars). 2 submissions from 2 submitters: Uncertain significance (2). Last evaluated 2023-01-30.

Allele frequency attached by ClinVar (database versions not stated): gnomAD exomes below 0.00001; TOPMed below 0.00001.
gnomAD v4.1: 2 of 1,614,228 alleles (0.00012%); highest among the groups gnomAD compares: Admixed American, 0.0017%; no homozygotes.

Submissions (2):

Blueprint Genetics
Classification: Uncertain significance. Last evaluated: 2023-01-30. Review status: criteria provided, single submitter. Criteria: ACMG Guidelines, 2015. Collection method: clinical testing. Allele origin: germline.

Labcorp Genetics (formerly Invitae), Labcorp
Classification: Uncertain significance. Last evaluated: 2022-03-02. Review status: criteria provided, single submitter. Criteria: Invitae Variant Classification Sherloc (09022015). Collection method: clinical testing. Allele origin: germline.
Comment: In summary, the available evidence is currently insufficient to determine the role of this variant in disease. Therefore, it has been classified as a Variant of Uncertain Significance. Algorithms developed to predict the effect of missense changes on protein structure and function output the following: SIFT: "Deleterious"; PolyPhen-2: "Not Available"; Align-GVGD: "Class C0". The methionine amino acid residue is found in multiple mammalian species, which suggests that this missense change does not adversely affect protein function. ClinVar contains an entry for this variant (Variation ID: 852221). This variant has not been reported in the literature in individuals affected with PDZD7-related conditions. This variant is present in population databases (no rsID available, gnomAD 0.003%). This sequence change replaces threonine, which is neutral and polar, with methionine, which is neutral and non-polar, at codon 40 of the PDZD7 protein (p.Thr40Met).

NM_001195263.2(PDZD7):c.119C>T (p.Thr40Met)

Gene: PDZD7 (PDZ domain containing 7; minus strand). Cytogenetic location: 10q24.31.
Variant type: single nucleotide variant.
Coding change: c.119C>T on transcript NM_001195263.2 (MANE Select); coding-DNA position 119, C replaced by T.
Protein change: p.Thr40Met; replaces threonine 40 with methionine.
Molecular consequence: missense variant.
Genome position (GRCh38, 1-based): chr10:101,030,101, G>A on the plus strand (C>T on the coding strand, the complement: PDZD7 is on the minus strand). VCF-style: chr10-101030101-G-A. GRCh37 (hg19) VCF-style: chr10-102789858-G-A.
Other names: c.119C>T, p.Thr40Met (NM_001351044.2, NM_024895.5); short protein forms T40M.
Identifiers: ClinVar variation 852221 (VCV000852221.12), dbSNP rs1160650482, ClinGen allele CA378231352.